The following is an entry in ClinVar:

ClinVar aggregate classification (germline): Uncertain significance (1 of 4 stars; one submission).

gnomAD v4.1: 4 of 1,611,388 alleles (0.00025%); highest among the groups gnomAD compares: South Asian, 0.0033%; no homozygotes.

Submission:

Labcorp Genetics (formerly Invitae), Labcorp
Classification: Uncertain significance. Last evaluated: 2024-12-22. Review status: criteria provided, single submitter. Criteria: Invitae Variant Classification Sherloc (09022015). Collection method: clinical testing. Allele origin: germline.
Comment: This sequence change falls in intron 30 of the ITPR1 gene. It does not directly change the encoded amino acid sequence of the ITPR1 protein. It affects a nucleotide within the consensus splice site. This variant is not present in population databases (gnomAD no frequency). This variant has not been reported in the literature in individuals affected with ITPR1-related conditions. Variants that disrupt the consensus splice site are a relatively common cause of aberrant splicing (PMID: 17576681, 9536098). Algorithms developed to predict the effect of sequence changes on RNA splicing suggest that this variant is not likely to affect RNA splicing. In summary, the available evidence is currently insufficient to determine the role of this variant in disease. Therefore, it has been classified as a Variant of Uncertain Significance.

Literature cited by the submitters: PubMed 17576681; PubMed 9536098.

NM_001378452.1(ITPR1):c.3828+6A>T

Gene: ITPR1 (inositol 1,4,5-trisphosphate receptor type 1; plus strand). Cytogenetic location: 3p26.1.
Variant type: single nucleotide variant.
Coding change: c.3828+6A>T on transcript NM_001378452.1 (MANE Select); 6 bases into the intron after coding-DNA position 3828, A replaced by T.
Molecular consequence: intron variant.
Genome position (GRCh38, 1-based): chr3:4,688,626, A>T. VCF-style: chr3-4688626-A-T. GRCh37 (hg19) VCF-style: chr3-4730310-A-T.
Other names: c.3801+6A>T (NM_001099952.4); c.3783+6A>T (NM_001168272.2); c.3756+6A>T (NM_002222.7).
Identifiers: ClinVar variation 3616787 (VCV003616787.2).